The following is an entry in ClinVar:

ClinVar aggregate classification (germline): Uncertain significance (1 of 4 stars; one submission).

Conditions:
Emery-Dreifuss muscular dystrophy 4, autosomal dominant (EDMD4). Also called: EMERY-DREIFUSS MUSCULAR DYSTROPHY 4 WITH VARIABLE FEATURES. Identifiers: Orphanet 261, MedGen C2751807, MONDO:0013071, OMIM 612998.
Autosomal recessive ataxia, Beauce type. Also called: Spinocerebellar ataxia, autosomal recessive 8; ATAXIA, RECESSIVE, OF BEAUCE; SYNE1-Related Autosomal Recessive Cerebellar Ataxia; SYNE1 Deficiency. Identifiers: Orphanet 88644, MedGen C1853116, MONDO:0012549, OMIM 610743.

gnomAD v4.1: 2 of 1,614,132 alleles (0.00012%); highest among the groups gnomAD compares: South Asian, 0.0022%; no homozygotes.

Submission:

Labcorp Genetics (formerly Invitae), Labcorp
Classification: Uncertain significance for Emery-Dreifuss muscular dystrophy 4, autosomal dominant; Autosomal recessive ataxia, Beauce type. Last evaluated: 2024-10-17. Review status: criteria provided, single submitter. Criteria: Invitae Variant Classification Sherloc (09022015). Collection method: clinical testing. Allele origin: germline.
Comment: This sequence change replaces threonine, which is neutral and polar, with serine, which is neutral and polar, at codon 3596 of the SYNE1 protein (p.Thr3596Ser). This variant is not present in population databases (gnomAD no frequency). This variant has not been reported in the literature in individuals affected with SYNE1-related conditions. An algorithm developed to predict the effect of missense changes on protein structure and function (PolyPhen-2) suggests that this variant is likely to be tolerated. In summary, the available evidence is currently insufficient to determine the role of this variant in disease. Therefore, it has been classified as a Variant of Uncertain Significance.

NM_182961.4(SYNE1):c.10766C>G (p.Thr3589Ser)

Gene: SYNE1 (spectrin repeat containing nuclear envelope protein 1; minus strand). Cytogenetic location: 6q25.2.
Variant type: single nucleotide variant.
Coding change: c.10766C>G on transcript NM_182961.4 (MANE Select); coding-DNA position 10766, C replaced by G.
Protein change: p.Thr3589Ser; replaces threonine 3589 with serine.
Molecular consequence: missense variant.
Genome position (GRCh38, 1-based): chr6:152,354,819, G>C on the plus strand (C>G on the coding strand, the complement: SYNE1 is on the minus strand). VCF-style: chr6-152354819-G-C. GRCh37 (hg19) VCF-style: chr6-152675954-G-C.
Other names: c.10787C>G, p.Thr3596Ser (NM_033071.5); short protein forms T3589S, T3596S.
Identifiers: ClinVar variation 2932110 (VCV002932110.3), dbSNP rs201487756, ClinGen allele CA366125320.